The following is an entry in ClinVar:

NM_006231.4(POLE):c.2119T>C (p.Phe707Leu)

Gene: POLE (DNA polymerase epsilon, catalytic subunit; minus strand). Cytogenetic location: 12q24.33.
Variant type: single nucleotide variant.
Coding change: c.2119T>C on transcript NM_006231.4 (MANE Select); coding-DNA position 2119, T replaced by C.
Protein change: p.Phe707Leu; replaces phenylalanine 707 with leucine.
Molecular consequence: missense variant.
Genome position (GRCh38, 1-based): chr12:132,668,410, A>G on the plus strand (T>C on the coding strand, the complement: POLE is on the minus strand). VCF-style: chr12-132668410-A-G. GRCh37 (hg19) VCF-style: chr12-133244996-A-G.
Other names: short protein forms F707L.
Identifiers: ClinVar variation 3225407 (VCV003225407.2), dbSNP rs1331515942, ClinGen allele CA387353863.

ClinVar aggregate classification (germline): Uncertain significance. Review status: criteria provided, multiple submitters, no conflicts (2 of 4 stars). 2 submissions from 2 submitters: Uncertain significance (2). Last evaluated 2026-01-19.

Conditions:
Hereditary cancer-predisposing syndrome. Also called: Neoplastic Syndromes, Hereditary; Tumor predisposition; Hereditary neoplastic syndrome; Hereditary Cancer Syndrome. Identifiers: Orphanet 140162, MedGen C0027672, MeSH D009386, MONDO:0015356.

Submissions (2):

Labcorp Genetics (formerly Invitae), Labcorp
Classification: Uncertain significance. Last evaluated: 2026-01-19. Review status: criteria provided, single submitter. Criteria: Invitae Variant Classification Sherloc (09022015). Collection method: clinical testing. Allele origin: germline.
Comment: This sequence change replaces phenylalanine, which is neutral and non-polar, with leucine, which is neutral and non-polar, at codon 707 of the POLE protein (p.Phe707Leu). This variant is not present in population databases (gnomAD no frequency). This variant has not been reported in the literature in individuals affected with POLE-related conditions. ClinVar contains an entry for this variant (Variation ID: 3225407). Invitae Evidence Modeling of protein sequence and biophysical properties (such as structural, functional, and spatial information, amino acid conservation, physicochemical variation, residue mobility, and thermodynamic stability) indicates that this missense variant is expected to disrupt POLE protein function with a positive predictive value of 80%. In summary, the available evidence is currently insufficient to determine the role of this variant in disease. Therefore, it has been classified as a Variant of Uncertain Significance.

Ambry Genetics
Classification: Uncertain significance for Hereditary cancer-predisposing syndrome. Last evaluated: 2024-01-13. Review status: criteria provided, single submitter. Criteria: Ambry Variant Classification Scheme 2023. Collection method: clinical testing. Allele origin: germline.
Comment: The p.F707L variant (also known as c.2119T>C), located in coding exon 19 of the POLE gene, results from a T to C substitution at nucleotide position 2119. The phenylalanine at codon 707 is replaced by leucine, an amino acid with highly similar properties. This amino acid position is conserved. In addition, the in silico prediction for this alteration is inconclusive. Since supporting evidence is limited at this time, the clinical significance of this alteration remains unclear.